The following is an entry in ClinVar:

NM_015474.4(SAMHD1):c.808G>A (p.Glu270Lys)

Gene: SAMHD1 (SAM and HD domain containing deoxynucleoside triphosphate triphosphohydrolase 1; minus strand). Cytogenetic location: 20q11.23.
Variant type: single nucleotide variant.
Coding change: c.808G>A on transcript NM_015474.4 (MANE Select); coding-DNA position 808, G replaced by A.
Protein change: p.Glu270Lys; replaces glutamic acid 270 with lysine.
Molecular consequence: missense variant.
Genome position (GRCh38, 1-based): chr20:36,919,408, C>T on the plus strand (G>A on the coding strand, the complement: SAMHD1 is on the minus strand). VCF-style: chr20-36919408-C-T. GRCh37 (hg19) VCF-style: chr20-35547811-C-T.
Other names: c.808G>A, p.Glu270Lys (NM_001363729.2, NM_001363733.2); short protein forms E270K.
Identifiers: ClinVar variation 1804985 (VCV001804985.6), dbSNP rs2063492731, ClinGen allele CA408846221.

ClinVar aggregate classification (germline): Uncertain significance. Review status: criteria provided, multiple submitters, no conflicts (2 of 4 stars). 3 submissions from 3 submitters: Uncertain significance (3). Last evaluated 2022-01-17.

Conditions:
Aicardi-Goutieres syndrome 5. Identifiers: Orphanet 51, MedGen C2749659, MONDO:0013059, OMIM 612952.

Allele frequency attached by ClinVar (database versions not stated): TOPMed below 0.00001; gnomAD exomes 0.00002.
gnomAD v4.1: 31 of 1,613,570 alleles (0.0019%); highest among the groups gnomAD compares: Non-Finnish European, 0.0026%; no homozygotes.

Submissions (3):

Labcorp Genetics (formerly Invitae), Labcorp
Classification: Uncertain significance for Aicardi-Goutieres syndrome 5. Last evaluated: 2022-01-17. Review status: criteria provided, single submitter. Criteria: Invitae Variant Classification Sherloc (09022015). Collection method: clinical testing. Allele origin: germline.
Comment: This sequence change replaces glutamic acid, which is acidic and polar, with lysine, which is basic and polar, at codon 270 of the SAMHD1 protein (p.Glu270Lys). This variant is not present in population databases (gnomAD no frequency). This variant has not been reported in the literature in individuals affected with SAMHD1-related conditions. Algorithms developed to predict the effect of missense changes on protein structure and function are either unavailable or do not agree on the potential impact of this missense change (SIFT: "Deleterious"; PolyPhen-2: "Possibly Damaging"; Align-GVGD: "Class C0"). In summary, the available evidence is currently insufficient to determine the role of this variant in disease. Therefore, it has been classified as a Variant of Uncertain Significance.

Victorian Clinical Genetics Services, Murdoch Childrens Research Institute
Classification: Uncertain significance for Aicardi-Goutieres syndrome 5. Last evaluated: 2021-05-06. Review status: criteria provided, single submitter. Criteria: ACMG Guidelines, 2015. Collection method: clinical testing. Allele origin: germline. Inheritance: Autosomal recessive inheritance. Affected: yes.
Comment: Based on the classification scheme VCGS_Germline_v1.3.4, this variant is classified as VUS-3A. Following criteria are met: 0102 - Loss of function is a known mechanism of disease in this gene and is associated with Aicardi-Goutieres syndrome 5 (MIM#612952). (I) 0106 - This gene is associated with autosomal recessive disease. (I) 0115 - Variants in this gene are known to have variable expressivity. Intra-familial variability and variable severity has been reported (PMID: 27643693, OMIM). (I) 0200 - Variant is predicted to result in a missense amino acid change from glutamic acid to lysine. (I) 0251 - This variant is heterozygous. (I) 0301 - Variant is absent from gnomAD (both v2 and v3). (SP) 0502 - Missense variant with conflicting in silico predictions and uninformative conservation. (I) 0600 - Variant is located in the annotated HD domain (UniProt). (I) 0705 - No comparable missense variants have previous evidence for pathogenicity. (I) 0807 - This variant has no previous evidence of pathogenicity. (I) 0905 - No published segregation evidence has been identified for this variant. (I) 1007 - No published functional evidence has been identified for this variant. (I) 1102 - Strong phenotype match for this individual. (SP) 1208 - Inheritance information for this variant is not currently available in this individual. (I) Legend: (SP) - Supporting pathogenic, (I) - Information, (SB) - Supporting benign

Revvity Omics, Revvity
Classification: Uncertain significance. Last evaluated: 2019-07-19. Review status: criteria provided, single submitter. Criteria: ACMG Guidelines, 2015. Collection method: clinical testing. Allele origin: germline.

Literature cited by the submitters: PubMed 27643693 (cited by Victorian Clinical Genetics Services, Murdoch Childrens Research Institute).